The following is an entry in ClinVar:

ClinVar aggregate classification (germline): Uncertain significance (1 of 4 stars; one submission).

Conditions:
Charcot-Marie-Tooth disease type 2. Also called: Charcot-Marie-Tooth type 2. Identifiers: Orphanet 64746, MedGen C0270914, MONDO:0018993.

Allele frequency attached by ClinVar (database versions not stated): ExAC 0.00001; gnomAD exomes 0.00001.

Submission:

Labcorp Genetics (formerly Invitae), Labcorp
Classification: Uncertain significance for Charcot-Marie-Tooth disease type 2. Last evaluated: 2021-12-22. Review status: criteria provided, single submitter. Criteria: Invitae Variant Classification Sherloc (09022015). Collection method: clinical testing. Allele origin: germline.
Comment: This sequence change replaces glutamic acid, which is acidic and polar, with lysine, which is basic and polar, at codon 112 of the AARS protein (p.Glu112Lys). This variant is not present in population databases (gnomAD no frequency). This variant has not been reported in the literature in individuals affected with AARS-related conditions. Algorithms developed to predict the effect of missense changes on protein structure and function (SIFT, PolyPhen-2, Align-GVGD) all suggest that this variant is likely to be tolerated. In summary, the available evidence is currently insufficient to determine the role of this variant in disease. Therefore, it has been classified as a Variant of Uncertain Significance.

NM_001605.3(AARS1):c.334G>A (p.Glu112Lys)

Gene: AARS1 (alanyl-tRNA synthetase 1; minus strand). Cytogenetic location: 16q22.1.
Variant type: single nucleotide variant.
Coding change: c.334G>A on transcript NM_001605.3 (MANE Select); coding-DNA position 334, G replaced by A.
Protein change: p.Glu112Lys; replaces glutamic acid 112 with lysine.
Molecular consequence: missense variant.
Genome position (GRCh38, 1-based): chr16:70,276,631, C>T on the plus strand (G>A on the coding strand, the complement: AARS1 is on the minus strand). VCF-style: chr16-70276631-C-T. GRCh37 (hg19) VCF-style: chr16-70310534-C-T.
Other names: short protein forms E112K.
Identifiers: ClinVar variation 2052898 (VCV002052898.4), dbSNP rs764846491, ClinGen allele CA8141156.